The following is an entry in ClinVar:

NM_001130009.3(GEN1):c.1409G>T (p.Arg470Leu)

Gene: GEN1 (GEN1 structure-specific endonuclease; plus strand). Cytogenetic location: 2p24.2.
Variant type: single nucleotide variant.
Coding change: c.1409G>T on transcript NM_001130009.3 (MANE Select); coding-DNA position 1409, G replaced by T.
Protein change: p.Arg470Leu; replaces arginine 470 with leucine.
Molecular consequence: missense variant.
Genome position (GRCh38, 1-based): chr2:17,780,621, G>T. VCF-style: chr2-17780621-G-T. GRCh37 (hg19) VCF-style: chr2-17961888-G-T.
Other names: c.1409G>T, p.Arg470Leu (NM_182625.5); short protein forms R470L.
Identifiers: ClinVar variation 4765565 (VCV004765565.1).
Genomic context (GRCh38, chr2:17,780,621, plus strand): 5'-TTTACCCAAGTTAAAGCAAAGAAAATAAATGTTGATTATATGTATTTTTTTTCTTTTCAG[G>T]TATTAAGCCTAAAGAAAACAATTTGCCAGAACCAGATGAAGTAATGAGCTTTCAGTCACA-3'
Protein context (NP_001123481.3, residues 460-480): KLEIKGKKQK[Arg470Leu]IKPKENNLPE

ClinVar aggregate classification (germline): Uncertain significance (1 of 4 stars; one submission).

gnomAD v4.1: 4 of 1,542,482 alleles (0.00026%); highest among the groups gnomAD compares: African/African-American, 0.0014%; no homozygotes.

Submission:

Labcorp Genetics (formerly Invitae), Labcorp
Classification: Uncertain significance. Last evaluated: 2025-03-05. Review status: criteria provided, single submitter. Criteria: Invitae Variant Classification Sherloc (09022015). Collection method: clinical testing. Allele origin: germline.
Comment: This sequence change replaces arginine, which is basic and polar, with leucine, which is neutral and non-polar, at codon 470 of the GEN1 protein (p.Arg470Leu). The frequency data for this variant in the population databases is considered unreliable, as metrics indicate poor data quality at this position in the gnomAD database. This variant has not been reported in the literature in individuals affected with GEN1-related conditions. An algorithm developed to predict the effect of missense changes on protein structure and function (PolyPhen-2) suggests that this variant is likely to be tolerated. In summary, the available evidence is currently insufficient to determine the role of this variant in disease. Therefore, it has been classified as a Variant of Uncertain Significance.